The following is an entry in ClinVar:

NM_001361.5(DHODH):c.983C>T (p.Pro328Leu)

Genes: DHODH (dihydroorotate dehydrogenase (quinone); plus strand), LOC126862390 (MED14-independent group 3 enhancer GRCh37_chr16:72057307-72058506; plus strand). Cytogenetic location: 16q22.2.
Variant type: single nucleotide variant.
Coding change: c.983C>T on transcript NM_001361.5 (MANE Select); coding-DNA position 983, C replaced by T.
Protein change: p.Pro328Leu; replaces proline 328 with leucine.
Molecular consequence: missense variant.
Genome position (GRCh38, 1-based): chr16:72,023,483, C>T. VCF-style: chr16-72023483-C-T. GRCh37 (hg19) VCF-style: chr16-72057382-C-T.
Other names: short protein forms P328L.
Identifiers: ClinVar variation 884528 (VCV000884528.13), dbSNP rs79673084, ClinGen allele CA8158831.
Genomic context (GRCh38, chr16:72,023,483, plus strand): 5'-GGGGCTGAAGCCACATCCTTCTTTATGGTGTCGCCATGTGCTTCTCTGTAGGCCGAGTTC[C>T]CATAATTGGGGTTGGTGGTGTGAGCAGCGGGCAGGACGCGCTGGAGAAGATCCGGGCAGG-3'
Protein context (NP_001352.2, residues 318-338): EMYALTQGRV[Pro328Leu]IIGVGGVSSG

ClinVar aggregate classification (germline): Conflicting classifications of pathogenicity. Review status: criteria provided, conflicting classifications (1 of 4 stars). 5 submissions from 5 submitters: Uncertain significance (1); Benign (2); Likely benign (1). 1 of the submissions does not count toward it. Last evaluated 2025-06-12.

Conditions:
Miller syndrome (POADS). Also called: GENEE-WIEDEMANN SYNDROME; Genee-Wiedemann acrofacial dysostosis. Identifiers: Orphanet 246, MedGen C0265257, MONDO:0009903, OMIM 263750.
DHODH-related disorder. Also called: DHODH-related condition.

Allele frequency attached by ClinVar (database versions not stated): gnomAD exomes 0.00017 and 0.00042; ExAC 0.00051; 1000 Genomes Project 0.00140; 1000 Genomes Project 30x 0.00141; ESP Exome Variant Server 0.00175; TOPMed 0.00177; gnomAD 0.00182 and 0.00195.
gnomAD v4.1: 519 of 1,614,052 alleles (0.032%); highest among the groups gnomAD compares: African/African-American, 0.63%; 3 homozygotes.

Submissions (5):

Labcorp Genetics (formerly Invitae), Labcorp
Classification: Benign. Last evaluated: 2025-06-12. Review status: criteria provided, single submitter. Criteria: Invitae Variant Classification Sherloc (09022015). Collection method: clinical testing. Allele origin: germline.

Blueprint Genetics
Classification: Likely benign. Last evaluated: 2024-11-01. Review status: criteria provided, single submitter. Criteria: ACMG Guidelines, 2015. Collection method: clinical testing. Allele origin: germline.

GeneDx
Classification: Uncertain significance. Last evaluated: 2020-11-27. Review status: criteria provided, single submitter. Criteria: GeneDx Variant Classification Process June 2021. Collection method: clinical testing. Allele origin: germline. Affected: yes.
Comment: In silico analysis, which includes protein predictors and evolutionary conservation, supports a deleterious effect; Has not been previously published as pathogenic or benign to our knowledge

Illumina Laboratory Services, Illumina
Classification: Benign for Miller syndrome. Last evaluated: 2017-05-17. Review status: criteria provided, single submitter. Criteria: ICSL Variant Classification Criteria 13 December 2019. Collection method: clinical testing. Allele origin: germline.
Comment: This variant was observed as part of a predisposition screen in an ostensibly healthy population. A literature search was performed for the gene, cDNA change, and amino acid change (where applicable). No publications were found based on this search. Allele frequency data from public databases was too high to be consistent with this variant causing disease. Therefore, this variant is classified as benign.

PreventionGenetics, part of Exact Sciences
Classification: Likely benign for DHODH-related condition. Last evaluated: 2019-07-31. Review status: no assertion criteria provided. Collection method: clinical testing. Allele origin: germline. Not counted in ClinVar's aggregate classification.
Comment: This variant is classified as likely benign based on ACMG/AMP sequence variant interpretation guidelines (Richards et al. 2015 PMID: 25741868, with internal and published modifications).